The following is an entry in ClinVar:

ClinVar aggregate classification (germline): Likely benign. Review status: criteria provided, multiple submitters, no conflicts (2 of 4 stars). 2 submissions from 2 submitters: Likely benign (2). Last evaluated 2026-02-01.

Allele frequency attached by ClinVar (database versions not stated): TOPMed below 0.00001.
gnomAD v4.1: 1 of 1,614,210 alleles (0.000062%); highest among the groups gnomAD compares: East Asian, 0.0022%; no homozygotes.

Submissions (2):

Labcorp Genetics (formerly Invitae), Labcorp
Classification: Likely benign. Last evaluated: 2026-02-01. Review status: criteria provided, single submitter. Criteria: Invitae Variant Classification Sherloc (09022015). Collection method: clinical testing. Allele origin: germline.

CeGaT Center for Human Genetics Tuebingen
Classification: Likely benign. Last evaluated: 2024-02-01. Review status: criteria provided, single submitter. Criteria: CeGaT Center For Human Genetics Tuebingen Variant Classification Criteria Version 2. Collection method: clinical testing. Allele origin: germline. Affected: yes. Observed: 1 variant allele.
Comment: CPAP: PM2:Supporting, BP4, BP7

NM_018451.5(CPAP):c.1515G>A (p.Glu505=)

Gene: CPAP (centrosome assembly and centriole elongation protein; minus strand). Cytogenetic location: 13q12.13.
Variant type: single nucleotide variant.
Coding change: c.1515G>A on transcript NM_018451.5 (MANE Select); coding-DNA position 1515, G replaced by A.
Protein change: p.Glu505=; no amino-acid change (glutamic acid 505 retained).
Molecular consequence: synonymous variant. On other transcripts: non-coding transcript variant (2).
Genome position (GRCh38, 1-based): chr13:24,906,523, C>T on the plus strand (G>A on the coding strand, the complement: CPAP is on the minus strand). VCF-style: chr13-24906523-C-T. GRCh37 (hg19) VCF-style: chr13-25480661-C-T.
Identifiers: ClinVar variation 3025438 (VCV003025438.23), dbSNP rs1954545521, ClinGen allele CA483169571.
Genomic context (GRCh38, chr13:24,906,523, plus strand): 5'-TCTGTCTTTACCTTGTGTCTTATTCCACCCTGTGCAGCCAGTATCGCAAGGTTTTGGACA[C>T]TCAGTTACATTTTCTTTATTATTAGATGTGACTTTGTTTTCAAATTTGATCTGGTCTCTA-3'
Protein context (NP_060921.3, residues 495-515): VTSNNKENVT[Glu505=]CPKPCDTGCT